The following is an entry in ClinVar:

NM_000255.4(MMUT):c.148C>T (p.Gln50Ter)

Gene: MMUT (methylmalonyl-CoA mutase; minus strand). Cytogenetic location: 6p12.3.
Variant type: single nucleotide variant.
Coding change: c.148C>T on transcript NM_000255.4 (MANE Select); coding-DNA position 148, C replaced by T.
Protein change: p.Gln50Ter; replaces glutamine 50 with a stop codon.
Molecular consequence: nonsense.
Genome position (GRCh38, 1-based): chr6:49,459,319, G>A on the plus strand (C>T on the coding strand, the complement: MMUT is on the minus strand). VCF-style: chr6-49459319-G-A. GRCh37 (hg19) VCF-style: chr6-49427032-G-A.
Other names: short protein forms Q50*.
Identifiers: ClinVar variation 3722008 (VCV003722008.2).

ClinVar aggregate classification (germline): Pathogenic (1 of 4 stars; one submission).

gnomAD v4.1: 1 of 1,614,142 alleles (0.000062%); highest among the groups gnomAD compares: Middle Eastern, 0.017%; no homozygotes.

Submission:

Labcorp Genetics (formerly Invitae), Labcorp
Classification: Pathogenic. Last evaluated: 2024-10-02. Review status: criteria provided, single submitter. Criteria: Invitae Variant Classification Sherloc (09022015). Collection method: clinical testing. Allele origin: germline.
Comment: This sequence change creates a premature translational stop signal (p.Gln50*) in the MUT gene. It is expected to result in an absent or disrupted protein product. Loss-of-function variants in MUT are known to be pathogenic (PMID: 15781192). This variant is not present in population databases (gnomAD no frequency). This variant has not been reported in the literature in individuals affected with MUT-related conditions. For these reasons, this variant has been classified as Pathogenic.

Literature cited by the submitters: PubMed 15781192.